The following is an entry in ClinVar:

NM_001009944.3(PKD1):c.10966C>T (p.Leu3656=)

Genes: PKD1 (polycystin 1, transient receptor potential channel interacting; minus strand), PKD1-AS1 (PKD1 antisense RNA 1; plus strand). Cytogenetic location: 16p13.3.
Variant type: single nucleotide variant.
Coding change: c.10966C>T on transcript NM_001009944.3 (MANE Select); coding-DNA position 10966, C replaced by T.
Protein change: p.Leu3656=; no amino-acid change (leucine 3656 retained).
Molecular consequence: synonymous variant.
Genome position (GRCh38, 1-based): chr16:2,093,594, G>A on the plus strand (C>T on the coding strand, the complement: PKD1 is on the minus strand). VCF-style: chr16-2093594-G-A. GRCh37 (hg19) VCF-style: chr16-2143595-G-A.
Other names: c.10963C>T, p.Leu3655= (NM_000296.4).
Identifiers: ClinVar variation 997163 (VCV000997163.1), dbSNP rs898443059, ClinGen allele CA276768542.

ClinVar aggregate classification (germline): Likely benign (0 of 4 stars; one submission).

Conditions:
Polycystic kidney disease. Also called: Polycystic kidney dysplasia; Kidney, Polycystic. Identifiers: MedGen C0022680, MeSH D007690, MONDO:0020642, HP:0000113.

Allele frequency attached by ClinVar (database versions not stated): gnomAD exomes below 0.00001.
gnomAD v4.1: 1 of 1,608,972 alleles (0.000062%); highest among the groups gnomAD compares: South Asian, 0.0011%; no homozygotes.

Submission:

Department of Pathology and Laboratory Medicine, Sinai Health System
Classification: Likely benign for Polycystic Kidney disease. Review status: no assertion criteria provided. Collection method: clinical testing. Allele origin: unknown. Affected: yes. Study: The Canadian Open Genetics Repository (COGR).
Comment: The PKD1 p.Leu3656= variant was not identified in the literature nor was it identified in the ClinVar, LOVD 3.0, ADPKD Mutation Database, or the PKD1-LOVD database. The variant was identified in dbSNP (ID: rs898443059). The variant was not identified in the following control databases: the Exome Aggregation Consortium (August 8th 2016) or the Genome Aggregation Database (Feb 27, 2017). The p.Leu3656= variant is not expected to have clinical significance because it does not result in a change of amino acid and occurs at a non-highly conserved nucleotide outside of the splicing consensus sequence. In addition, in silico or computational prediction software programs (SpliceSiteFinder, MaxEntScan, NNSPLICE, GeneSplicer) do not predict a difference in splicing. In summary, based on the above information, the clinical significance of this variant cannot be determined with certainty at this time although we would lean towards a more benign role for this variant. This variant is classified as likely benign.